The following is an entry in ClinVar:

NM_000548.5(TSC2):c.3828C>T (p.Ser1276=)

Gene: TSC2 (TSC complex subunit 2; plus strand). Cytogenetic location: 16p13.3.
Variant type: single nucleotide variant.
Coding change: c.3828C>T on transcript NM_000548.5 (MANE Select); coding-DNA position 3828, C replaced by T.
Protein change: p.Ser1276=; no amino-acid change (serine 1276 retained).
Molecular consequence: synonymous variant. On other transcripts: non-coding transcript variant (1), intron variant (33).
Genome position (GRCh38, 1-based): chr16:2,082,449, C>T. VCF-style: chr16-2082449-C-T. GRCh37 (hg19) VCF-style: chr16-2132450-C-T.
Other names: c.3096C>T, p.Ser1032= (NM_001318831.2); c.3696C>T, p.Ser1232= (NM_001370404.1, NM_001406665.1); c.3699C>T, p.Ser1233= (NM_001370405.1, NM_021055.3); c.3825C>T, p.Ser1275= (NM_001406663.1); c.3228C>T, p.Ser1076= (NM_001406680.1); c.2355C>T, p.Ser785= (NM_001406690.1); c.2352C>T, p.Ser784= (NM_001406691.1); c.2341+651C>T (NM_001406693.1, NM_001406692.1, NM_001406694.1); and 25 more.
Identifiers: ClinVar variation 2192318 (VCV002192318.6), dbSNP rs773135685, ClinGen allele CA048815.

ClinVar aggregate classification (germline): Conflicting classifications of pathogenicity. Review status: criteria provided, conflicting classifications (1 of 4 stars). 3 submissions from 3 submitters: Uncertain significance (1); Benign (1); Likely benign (1). Last evaluated 2025-05-30.

Conditions:
Hereditary cancer-predisposing syndrome. Also called: Neoplastic Syndromes, Hereditary; Hereditary Cancer Syndrome; Hereditary neoplastic syndrome; Tumor predisposition. Identifiers: Orphanet 140162, MedGen C0027672, MeSH D009386, MONDO:0015356.
Tuberous sclerosis 2 (TSC2). Identifiers: Orphanet 805, MedGen C1860707, MONDO:0013199, OMIM 613254.

Allele frequency attached by ClinVar (database versions not stated): gnomAD exomes below 0.00001; TOPMed below 0.00001; ExAC 0.00001.
gnomAD v4.1: 1 of 1,612,574 alleles (0.000062%); highest among the groups gnomAD compares: Non-Finnish European, 0.000085%; no homozygotes.

Submissions (3):

Myriad Genetics, Inc.
Classification: Benign for Tuberous sclerosis 2. Last evaluated: 2025-05-30. Review status: criteria provided, single submitter. Criteria: Myriad Autosomal Dominant, Autosomal Recessive and X-Linked Classification Criteria (2023). Collection method: clinical testing. Allele origin: unknown.
Comment: This variant is considered benign. This variant is a silent/synonymous amino acid change and it is not expected to impact splicing.

Labcorp Genetics (formerly Invitae), Labcorp
Classification: Likely benign for Tuberous sclerosis 2. Last evaluated: 2025-03-04. Review status: criteria provided, single submitter. Criteria: Invitae Variant Classification Sherloc (09022015). Collection method: clinical testing. Allele origin: germline.

Ambry Genetics
Classification: Uncertain significance for Hereditary cancer-predisposing syndrome. Last evaluated: 2021-06-28. Review status: criteria provided, single submitter. Criteria: Ambry Variant Classification Scheme 2023. Collection method: clinical testing. Allele origin: germline.
Comment: The c.3828C>T (p.S1276S) alteration is located in exon 32 (coding exon 31) of the TSC2 gene. This alteration consists of a C to T substitution at nucleotide position 3828. This nucleotide substitution does not change the amino acid at codon 1276. However, this change occurs in the last nucleotide of Exon 32 (c.3815_3883) which makes it likely to have some effect on normal mRNA splicing. Based on insufficient or conflicting evidence, the clinical significance of this alteration remains unclear.